The following is an entry in ClinVar:

NM_005413.4(SIX3):c.879G>A (p.Ser293=)

Gene: SIX3 (SIX homeobox 3; plus strand). Cytogenetic location: 2p21.
Variant type: single nucleotide variant.
Coding change: c.879G>A on transcript NM_005413.4 (MANE Select); coding-DNA position 879, G replaced by A.
Protein change: p.Ser293=; no amino-acid change (serine 293 retained).
Molecular consequence: synonymous variant.
Genome position (GRCh38, 1-based): chr2:44,944,640, G>A. VCF-style: chr2-44944640-G-A. GRCh37 (hg19) VCF-style: chr2-45171779-G-A.
Identifiers: ClinVar variation 4980518 (VCV004980518.1).

ClinVar aggregate classification (germline): Likely benign (1 of 4 stars; one submission).

Conditions:
SIX3-related disorder. Also called: SIX3-Related Disorders; SIX3-related condition.

gnomAD v4.1: 3 of 1,574,272 alleles (0.00019%); highest among the groups gnomAD compares: Admixed American, 0.0035%; no homozygotes.

Submission:

PreventionGenetics, part of Exact Sciences
Classification: Likely benign for SIX3-related condition. Last evaluated: 2026-07-09. Review status: criteria provided, single submitter. Criteria: ACMG Guidelines, 2015. Collection method: clinical testing. Allele origin: germline.
Comment: This variant is classified as likely benign based on ACMG/AMP sequence variant interpretation guidelines (Richards et al. 2015 PMID: 25741868, with internal and published modifications).